The following is an entry in ClinVar:

ClinVar aggregate classification (germline): Likely benign (1 of 4 stars; one submission).

Allele frequency attached by ClinVar (database versions not stated): gnomAD exomes below 0.00001.
gnomAD v4.1: 1 of 1,609,366 alleles (0.000062%); highest among the groups gnomAD compares: Non-Finnish European, 0.000085%; no homozygotes.

Submission:

CeGaT Center for Human Genetics Tuebingen
Classification: Likely benign. Last evaluated: 2023-09-01. Review status: criteria provided, single submitter. Criteria: CeGaT Center For Human Genetics Tuebingen Variant Classification Criteria Version 2. Collection method: clinical testing. Allele origin: germline. Affected: yes. Observed: 1 variant allele.
Comment: PHIP: PM2:Supporting, BP4, BP7

NM_017934.7(PHIP):c.1569T>C (p.Ser523=)

Gene: PHIP (PHIP subunit of CUL4-Ring ligase complex; minus strand). Cytogenetic location: 6q14.1.
Variant type: single nucleotide variant.
Coding change: c.1569T>C on transcript NM_017934.7 (MANE Select); coding-DNA position 1569, T replaced by C.
Protein change: p.Ser523=; no amino-acid change (serine 523 retained).
Molecular consequence: synonymous variant.
Genome position (GRCh38, 1-based): chr6:79,003,814, A>G on the plus strand (T>C on the coding strand, the complement: PHIP is on the minus strand). VCF-style: chr6-79003814-A-G. GRCh37 (hg19) VCF-style: chr6-79713531-A-G.
Identifiers: ClinVar variation 2656722 (VCV002656722.24), dbSNP rs2482078241, ClinGen allele CA451008399.